The following is an entry in ClinVar:

NM_005902.4(SMAD3):c.34G>T (p.Val12Leu)

Genes: SMAD3 (SMAD family member 3; plus strand), LOC130057352 (ATAC-STARR-seq lymphoblastoid silent region 6574; plus strand). Cytogenetic location: 15q22.33.
Variant type: single nucleotide variant.
Coding change: c.34G>T on transcript NM_005902.4 (MANE Select); coding-DNA position 34, G replaced by T.
Protein change: p.Val12Leu; replaces valine 12 with leucine.
Molecular consequence: missense variant.
Genome position (GRCh38, 1-based): chr15:67,066,188, G>T. VCF-style: chr15-67066188-G-T. GRCh37 (hg19) VCF-style: chr15-67358526-G-T.
Other names: short protein forms V12L.
Identifiers: ClinVar variation 477574 (VCV000477574.10), dbSNP rs1390289135, ClinGen allele CA393202734.
Genomic context (GRCh38, chr15:67,066,188, plus strand): 5'-CTCGCCGCCCGCGCGCCCTCCCCAGCCATGTCGTCCATCCTGCCTTTCACTCCCCCGATC[G>T]TGAAGCGCCTGCTGGGCTGGAAGAAGGGCGAGCAGAACGGGCAGGAGGAGAAATGGTGCG-3'
Protein context (NP_005893.1, residues 2-22): SSILPFTPPI[Val12Leu]KRLLGWKKGE

ClinVar aggregate classification (germline): Uncertain significance. Review status: criteria provided, multiple submitters, no conflicts (2 of 4 stars). 2 submissions from 2 submitters: Uncertain significance (2). Last evaluated 2025-04-07.

Conditions:
Familial thoracic aortic aneurysm and aortic dissection (TAAD). Also called: Thoracic aortic aneurysms and dissections. Identifiers: Orphanet 91387, MedGen C4707243, MONDO:0019625.

Allele frequency attached by ClinVar (database versions not stated): gnomAD exomes below 0.00001; gnomAD 0.00001.
gnomAD v4.1: 2 of 1,610,472 alleles (0.00012%); highest among the groups gnomAD compares: Admixed American, 0.0017%; no homozygotes.

Submissions (2):

GeneDx
Classification: Uncertain significance. Last evaluated: 2025-04-07. Review status: criteria provided, single submitter. Criteria: GeneDx Variant Classification Process June 2021. Collection method: clinical testing. Allele origin: germline. Affected: yes.
Comment: Not observed at significant frequency in large population cohorts (gnomAD); In silico analysis supports that this missense variant has a deleterious effect on protein structure/function; Has not been previously published as pathogenic or benign to our knowledge

Labcorp Genetics (formerly Invitae), Labcorp
Classification: Uncertain significance for Familial thoracic aortic aneurysm and aortic dissection. Last evaluated: 2022-07-06. Review status: criteria provided, single submitter. Criteria: Invitae Variant Classification Sherloc (09022015). Collection method: clinical testing. Allele origin: germline.
Comment: Advanced modeling of protein sequence and biophysical properties (such as structural, functional, and spatial information, amino acid conservation, physicochemical variation, residue mobility, and thermodynamic stability) performed at Invitae indicates that this missense variant is not expected to disrupt SMAD3 protein function. ClinVar contains an entry for this variant (Variation ID: 477574). This missense change has been observed in individual(s) with aortic dissection, as well as aneurysmal disease, sigmoid scoliosis and bilateral inguinal hernias (Invitae). The frequency data for this variant in the population databases is considered unreliable, as metrics indicate poor data quality at this position in the gnomAD database. This sequence change replaces valine, which is neutral and non-polar, with leucine, which is neutral and non-polar, at codon 12 of the SMAD3 protein (p.Val12Leu). In summary, the available evidence is currently insufficient to determine the role of this variant in disease. Therefore, it has been classified as a Variant of Uncertain Significance.